The following is an entry in ClinVar:

ClinVar aggregate classification (germline): Uncertain significance (1 of 4 stars; one submission).

Conditions:
Hypertrophic cardiomyopathy. Also called: HYPERTROPHIC MYOCARDIOPATHY. Identifiers: Orphanet 217569, MedGen C0007194, MeSH D002312, MONDO:0005045, HP:0001639.

Allele frequency attached by ClinVar (database versions not stated): gnomAD exomes below 0.00001; TOPMed below 0.00001; gnomAD 0.00001.
gnomAD v4.1: 5 of 1,581,946 alleles (0.00032%); highest among the groups gnomAD compares: Admixed American, 0.0058%; no homozygotes.

Submission:

Labcorp Genetics (formerly Invitae), Labcorp
Classification: Uncertain significance for Hypertrophic cardiomyopathy. Last evaluated: 2025-01-22. Review status: criteria provided, single submitter. Criteria: Invitae Variant Classification Sherloc (09022015). Collection method: clinical testing. Allele origin: germline.
Comment: This sequence change falls in intron 9 of the MYOM1 gene. It does not directly change the encoded amino acid sequence of the MYOM1 protein. It affects a nucleotide within the consensus splice site. This variant is not present in population databases (gnomAD no frequency). This variant has not been reported in the literature in individuals affected with MYOM1-related conditions. ClinVar contains an entry for this variant (Variation ID: 1440156). Variants that disrupt the consensus splice site are a relatively common cause of aberrant splicing (PMID: 17576681, 9536098). Algorithms developed to predict the effect of sequence changes on RNA splicing suggest that this variant is not likely to affect RNA splicing. In summary, the available evidence is currently insufficient to determine the role of this variant in disease. Therefore, it has been classified as a Variant of Uncertain Significance.

Literature cited by the submitters: PubMed 17576681; PubMed 9536098.

NM_003803.4(MYOM1):c.1340-3T>C

Gene: MYOM1 (myomesin 1; minus strand). Cytogenetic location: 18p11.31.
Variant type: single nucleotide variant.
Coding change: c.1340-3T>C on transcript NM_003803.4 (MANE Select); 3 bases into the intron before coding-DNA position 1340, T replaced by C.
Molecular consequence: intron variant.
Genome position (GRCh38, 1-based): chr18:3,164,442, A>G on the plus strand (T>C on the coding strand, the complement: MYOM1 is on the minus strand). VCF-style: chr18-3164442-A-G. GRCh37 (hg19) VCF-style: chr18-3164440-A-G.
Other names: c.1340-3T>C (NM_019856.2).
Identifiers: ClinVar variation 1440156 (VCV001440156.6), dbSNP rs901661479, ClinGen allele CA295503903.